The following is an entry in ClinVar:

ClinVar aggregate classification (germline): Uncertain significance (1 of 4 stars; one submission).

Conditions:
Autosomal dominant nonsyndromic hearing loss 1. Also called: KONIGSMARK SYNDROME; DEAFNESS, AUTOSOMAL DOMINANT 1, WITH OR WITHOUT THROMBOCYTOPENIA. Identifiers: Orphanet 90635, MedGen C1852282, MONDO:0007424, OMIM 124900.
Progressive microcephaly-seizures-cortical blindness-developmental delay syndrome. Also called: Seizures, cortical blindness, and microcephaly syndrome. Identifiers: Orphanet 477814, MedGen C5567650, MONDO:0014714, OMIM 616632.

Allele frequency attached by ClinVar (database versions not stated): gnomAD exomes below 0.00001 and 0.00001; ExAC 0.00001; gnomAD 0.00001.
gnomAD v4.1: 4 of 1,614,012 alleles (0.00025%); highest among the groups gnomAD compares: South Asian, 0.0022%; no homozygotes.

Submission:

Labcorp Genetics (formerly Invitae), Labcorp
Classification: Uncertain significance for Progressive microcephaly-seizures-cortical blindness-developmental delay syndrome; Autosomal dominant nonsyndromic hearing loss 1. Last evaluated: 2021-09-03. Review status: criteria provided, single submitter. Criteria: Invitae Variant Classification Sherloc (09022015). Collection method: clinical testing. Allele origin: germline.
Comment: In summary, the available evidence is currently insufficient to determine the role of this variant in disease. Therefore, it has been classified as a Variant of Uncertain Significance. Algorithms developed to predict the effect of missense changes on protein structure and function are either unavailable or do not agree on the potential impact of this missense change (SIFT: "Tolerated"; PolyPhen-2: "Not Available"; Align-GVGD: "Class C0"). This variant has not been reported in the literature in individuals affected with DIAPH1-related conditions. This variant is present in population databases (rs745759508, ExAC 0.006%). This sequence change replaces tyrosine with cysteine at codon 75 of the DIAPH1 protein (p.Tyr75Cys). The tyrosine residue is moderately conserved and there is a large physicochemical difference between tyrosine and cysteine.

NM_005219.5(DIAPH1):c.224A>G (p.Tyr75Cys)

Gene: DIAPH1 (diaphanous related formin 1; minus strand). Cytogenetic location: 5q31.3.
Variant type: single nucleotide variant.
Coding change: c.224A>G on transcript NM_005219.5 (MANE Select); coding-DNA position 224, A replaced by G.
Protein change: p.Tyr75Cys; replaces tyrosine 75 with cysteine.
Molecular consequence: missense variant.
Genome position (GRCh38, 1-based): chr5:141,587,118, T>C on the plus strand (A>G on the coding strand, the complement: DIAPH1 is on the minus strand). VCF-style: chr5-141587118-T-C. GRCh37 (hg19) VCF-style: chr5-140966685-T-C.
Other names: c.197A>G, p.Tyr66Cys (NM_001079812.3); c.224A>G, p.Tyr75Cys (NM_001314007.2); short protein forms Y75C, Y66C.
Identifiers: ClinVar variation 1525015 (VCV001525015.6), dbSNP rs745759508, ClinGen allele CA3479662.